The following is an entry in ClinVar:

NM_001387274.1(DCDC1):c.4701G>C (p.Trp1567Cys)

Gene: DCDC1 (doublecortin domain containing 1; minus strand). Cytogenetic location: 11p14.1.
Variant type: single nucleotide variant.
Coding change: c.4701G>C on transcript NM_001387274.1 (MANE Select); coding-DNA position 4701, G replaced by C.
Protein change: p.Trp1567Cys; replaces tryptophan 1567 with cysteine.
Molecular consequence: missense variant.
Genome position (GRCh38, 1-based): chr11:30,899,605, C>G on the plus strand (G>C on the coding strand, the complement: DCDC1 is on the minus strand). VCF-style: chr11-30899605-C-G. GRCh37 (hg19) VCF-style: chr11-30921152-C-G.
Other names: c.4692G>C, p.Trp1564Cys (NM_001367979.1); c.1446G>C, p.Trp482Cys (NM_001387275.1); c.2013G>C, p.Trp671Cys (NM_020869.4); short protein forms W671C, W1564C, W1567C, W482C.
Identifiers: ClinVar variation 721756 (VCV000721756.6), dbSNP rs75606205, ClinGen allele CA5931455.

ClinVar aggregate classification (germline): Benign. Review status: criteria provided, multiple submitters, no conflicts (2 of 4 stars). 3 submissions from 3 submitters: Benign (2). 1 of the submissions does not count toward it. Last evaluated 2019-12-31.

Conditions:
DCDC5-related condition.

Allele frequency attached by ClinVar (database versions not stated): gnomAD exomes 0.00094; ExAC 0.00201; 1000 Genomes Project 0.00359; 1000 Genomes Project 30x 0.00375; ESP Exome Variant Server 0.00393; gnomAD 0.00421 and 0.00466; TOPMed 0.00505.
gnomAD v4.1: 1,215 of 1,574,150 alleles (0.077%); highest among the groups gnomAD compares: African/African-American, 1.4%; 12 homozygotes.

Submissions (3):

Labcorp Genetics (formerly Invitae), Labcorp
Classification: Benign. Last evaluated: 2019-12-31. Review status: criteria provided, single submitter. Criteria: Invitae Variant Classification Sherloc (09022015). Collection method: clinical testing. Allele origin: germline.

Breakthrough Genomics
Classification: Benign. Review status: criteria provided, single submitter. Criteria: ACMG Guidelines, 2015. Collection method: not provided. Allele origin: germline. Inheritance: Unknown mechanism. Affected: yes.

PreventionGenetics, part of Exact Sciences
Classification: Benign for DCDC5-related condition. Last evaluated: 2019-08-15. Review status: no assertion criteria provided. Collection method: clinical testing. Allele origin: germline. Not counted in ClinVar's aggregate classification.
Comment: This variant is classified as benign based on ACMG/AMP sequence variant interpretation guidelines (Richards et al. 2015 PMID: 25741868, with internal and published modifications).